The following is an entry in ClinVar:

NM_014244.5(ADAMTS2):c.20delinsATGTGTATAAGAGACAGT (p.Ala7fs)

Gene: ADAMTS2 (ADAM metallopeptidase with thrombospondin type 1 motif 2; minus strand). Cytogenetic location: 5q35.3.
Variant type: Indel.
Coding change: c.20delinsATGTGTATAAGAGACAGT on transcript NM_014244.5 (MANE Select); coding-DNA position 20, C replaced by ATGTGTATAAGAGACAGT.
Protein change: p.Ala7fs; shifts the reading frame from alanine 7.
Molecular consequence: frameshift variant.
Genome position (GRCh38, 1-based): chr5:179,345,309, G replaced by ACTGTCTCTTATACACAT on the plus strand (C replaced by ATGTGTATAAGAGACAGT on the coding strand, the reverse complement: ADAMTS2 is on the minus strand). VCF-style: chr5-179345309-G-ACTGTCTCTTATACACAT. GRCh37 (hg19) VCF-style: chr5-178772310-G-ACTGTCTCTTATACACAT.
Other names: c.20delinsATGTGTATAAGAGACAGT, p.Ala7fs (NM_021599.4); short protein forms A7fs.
Identifiers: ClinVar variation 5016357 (VCV005016357.1).
Genomic context (GRCh38, chr5:179,345,309, plus strand): 5'-AGCGGCGGCGGCAGCAGCAGCAGCAGCAGCAGCAGCGCGGGGCAGAGCAGGCGGCGAGCG[G>ACTGTCTCTTATACACAT]CTCCCGCCGGCGGATCCATGGCAGCCGGACTGCAGCCGGGGCCCCGCACTCGCAGCCGGC-3'

ClinVar aggregate classification (germline): Pathogenic (1 of 4 stars; one submission).

Conditions:
Ehlers-Danlos syndrome, dermatosparaxis type. Also called: EDS VIIC; Dermatosparaxis; Ehlers-Danlos syndrome, type VII, autosomal recessive. Identifiers: Orphanet 1901, MedGen C2700425, MONDO:0009161, OMIM 225410.

Submission:

Myriad Genetics, Inc.
Classification: Pathogenic for Ehlers-Danlos syndrome, dermatosparaxis type. Last evaluated: 2024-05-14. Review status: criteria provided, single submitter. Criteria: Myriad Autosomal Dominant, Autosomal Recessive and X-Linked Classification Criteria (2023). Collection method: clinical testing. Allele origin: unknown.
Comment: NM_014244.4(ADAMTS2):c.20del1ins18(A7Dfs*164) is expected to be pathogenic in the context of Ehlers-Danlos syndrome, ADAMTS2-related. This variant is predicted to lead to an abnormal or absent protein product due to the creation of a premature termination codon in ADAMTS2, a gene where loss-of-function variants are known to be pathogenic. Please note: this variant was assessed in the context of healthy population screening.